The following is an entry in ClinVar:

NM_001024630.4(RUNX2):c.1412C>T (p.Pro471Leu)

Gene: RUNX2 (RUNX family transcription factor 2; plus strand). Cytogenetic location: 6p21.1.
Variant type: single nucleotide variant.
Coding change: c.1412C>T on transcript NM_001024630.4 (MANE Select); coding-DNA position 1412, C replaced by T.
Protein change: p.Pro471Leu; replaces proline 471 with leucine.
Molecular consequence: missense variant.
Genome position (GRCh38, 1-based): chr6:45,547,151, C>T. VCF-style: chr6-45547151-C-T. GRCh37 (hg19) VCF-style: chr6-45514888-C-T.
Other names: c.1346C>T, p.Pro449Leu (NM_001015051.4); c.1304C>T, p.Pro435Leu (NM_001278478.2); c.1370C>T, p.Pro457Leu (NM_001369405.1); short protein forms P449L, P457L, P471L, P435L.
Identifiers: ClinVar variation 1362304 (VCV001362304.8), dbSNP rs142108189, ClinGen allele CA3836626.
Genomic context (GRCh38, chr6:45,547,151, plus strand): 5'-CAGGATCCTATCAGTTTCCCATGGTGCCGGGGGGAGACCGGTCTCCTTCCAGAATGCTTC[C>T]GCCATGCACCACCACCTCGAATGGCAGCACGCTATTAAATCCAAATTTGCCTAACCAGAA-3'
Protein context (NP_001019801.3, residues 461-481): GGDRSPSRML[Pro471Leu]PCTTTSNGST

ClinVar aggregate classification (germline): Uncertain significance (1 of 4 stars; one submission).

Allele frequency attached by ClinVar (database versions not stated): TOPMed 0.00001; gnomAD 0.00004; gnomAD exomes 0.00007 and 0.00013; ExAC 0.00008; ESP Exome Variant Server 0.00008; 1000 Genomes Project 30x 0.00016; 1000 Genomes Project 0.00020.
gnomAD v4.1: 195 of 1,614,150 alleles (0.012%); highest among the groups gnomAD compares: Non-Finnish European, 0.016%; no homozygotes.

Submission:

Labcorp Genetics (formerly Invitae), Labcorp
Classification: Uncertain significance. Last evaluated: 2025-07-21. Review status: criteria provided, single submitter. Criteria: Invitae Variant Classification Sherloc (09022015). Collection method: clinical testing. Allele origin: germline.
Comment: This sequence change replaces proline, which is neutral and non-polar, with leucine, which is neutral and non-polar, at codon 471 of the RUNX2 protein (p.Pro471Leu). This variant is present in population databases (rs142108189, gnomAD 0.01%). This variant has not been reported in the literature in individuals affected with RUNX2-related conditions. ClinVar contains an entry for this variant (Variation ID: 1362304). Invitae Evidence Modeling of protein sequence and biophysical properties (such as structural, functional, and spatial information, amino acid conservation, physicochemical variation, residue mobility, and thermodynamic stability) indicates that this missense variant is not expected to disrupt RUNX2 protein function with a negative predictive value of 80%. In summary, the available evidence is currently insufficient to determine the role of this variant in disease. Therefore, it has been classified as a Variant of Uncertain Significance.